The following is an entry in ClinVar:

ClinVar aggregate classification (germline): Uncertain significance. Review status: criteria provided, multiple submitters, no conflicts (2 of 4 stars). 4 submissions from 4 submitters: Uncertain significance (4). Last evaluated 2025-07-17.

Conditions:
Ataxia-telangiectasia syndrome (AT). Also called: Cerebello-oculocutaneous telangiectasia; Immunodeficiency with ataxia telangiectasia; Ataxia-telangiectasia, complementation group E; Ataxia-telangiectasia, complementation group D; AT, COMPLEMENTATION GROUP C; ATAXIA-TELANGIECTASIA, COMPLEMENTATION GROUP A. Identifiers: Orphanet 100, MedGen C0004135, MONDO:0008840, OMIM 208900.
Hereditary cancer-predisposing syndrome. Also called: Hereditary Cancer Syndrome; Neoplastic Syndromes, Hereditary; Hereditary neoplastic syndrome; Tumor predisposition. Identifiers: Orphanet 140162, MedGen C0027672, MeSH D009386, MONDO:0015356.

Allele frequency attached by ClinVar (database versions not stated): gnomAD exomes below 0.00001.
gnomAD v4.1: 1 of 1,613,746 alleles (0.000062%); highest among the groups gnomAD compares: African/African-American, 0.0013%; no homozygotes.

Submissions (4):

Ambry Genetics
Classification: Uncertain significance for Hereditary cancer-predisposing syndrome. Last evaluated: 2025-07-17. Review status: criteria provided, single submitter. Criteria: Ambry Variant Classification Scheme 2023. Collection method: clinical testing. Allele origin: germline.
Comment: The p.L1046F variant (also known as c.3136C>T), located in coding exon 20 of the ATM gene, results from a C to T substitution at nucleotide position 3136. The leucine at codon 1046 is replaced by phenylalanine, an amino acid with highly similar properties. This amino acid position is well conserved in available vertebrate species. In addition, the in silico prediction for this alteration is inconclusive. Based on the available evidence, the clinical significance of this variant remains unclear.

Color Diagnostics, LLC DBA Color Health
Classification: Uncertain significance for Hereditary cancer-predisposing syndrome. Last evaluated: 2025-07-07. Review status: criteria provided, single submitter. Criteria: ACMG Guidelines, 2015. Collection method: clinical testing. Allele origin: germline.
Comment: This missense variant replaces leucine with phenylalanine at codon 1046 of the ATM protein. Computational prediction suggests that this variant may not impact protein structure and function. To our knowledge, functional studies have not been reported for this variant. This variant has been observed in three siblings affected with adult-onset ataxia telangiectasia in trans with p.Leu2541Arg (PMID: 16864838). Cell lines derived from two of these individuals showed a reduced level of ATM protein expression with kinase activity slightly lower than normal (PMID: 16864838). This variant has not been identified in the general population by the Genome Aggregation Database (gnomAD). The available evidence is insufficient to determine the role of this variant in disease conclusively. Therefore, this variant is classified as a Variant of Uncertain Significance.

Labcorp Genetics (formerly Invitae), Labcorp
Classification: Uncertain significance for Ataxia-telangiectasia syndrome. Last evaluated: 2023-11-13. Review status: criteria provided, single submitter. Criteria: Invitae Variant Classification Sherloc (09022015). Collection method: clinical testing. Allele origin: germline.
Comment: This sequence change replaces leucine, which is neutral and non-polar, with phenylalanine, which is neutral and non-polar, at codon 1046 of the ATM protein (p.Leu1046Phe). This variant is not present in population databases (gnomAD no frequency). This missense change has been observed in individual(s) with late-onset ataxia telangiectasia (A-T) (PMID: 19535770). It has also been observed to segregate with disease in related individuals. ClinVar contains an entry for this variant (Variation ID: 822973). An algorithm developed to predict the effect of missense changes on protein structure and function (PolyPhen-2) suggests that this variant is likely to be tolerated. Experimental studies are conflicting or provide insufficient evidence to determine the effect of this variant on ATM function (PMID: 1953577). In summary, the available evidence is currently insufficient to determine the role of this variant in disease. Therefore, it has been classified as a Variant of Uncertain Significance.

GeneDx
Classification: Uncertain significance. Last evaluated: 2021-11-17. Review status: criteria provided, single submitter. Criteria: GeneDx Variant Classification Process June 2021. Collection method: clinical testing. Allele origin: germline. Affected: yes.
Comment: Observed in trans with a second rare ATM missense variant in three brothers with a variant form of Ataxia-telangiectasia whose cells demonstrated reduced ATM protein expression and kinase activity as well as intermediate radiosensitivity (Hiel 1994, Hiel 2006, Verhagen 2009, Verhagen 2012); In silico analysis supports that this missense variant has a deleterious effect on protein structure/function; Not observed in large population cohorts (Lek 2016); This variant is associated with the following publications: (PMID: 16864838, 7526160, 22213089, 25040471, 30549301, 28126470, 19535770)

Literature cited by the submitters: PubMed 16864838 (cited by Ambry Genetics and Color Diagnostics, LLC DBA Color Health); PubMed 25040471 (cited by Ambry Genetics); PubMed 19535770 (cited by Labcorp Genetics (formerly Invitae), Labcorp); PubMed 1953577 (cited by Labcorp Genetics (formerly Invitae), Labcorp).

NM_000051.4(ATM):c.3136C>T (p.Leu1046Phe)

Gene: ATM (ATM serine/threonine kinase; plus strand). Cytogenetic location: 11q22.3.
Variant type: single nucleotide variant.
Coding change: c.3136C>T on transcript NM_000051.4 (MANE Select); coding-DNA position 3136, C replaced by T.
Protein change: p.Leu1046Phe; replaces leucine 1046 with phenylalanine.
Molecular consequence: missense variant.
Genome position (GRCh38, 1-based): chr11:108,272,590, C>T. VCF-style: chr11-108272590-C-T. GRCh37 (hg19) VCF-style: chr11-108143317-C-T.
Other names: c.3136C>T, p.Leu1046Phe (NM_001351834.2); short protein forms L1046F.
Identifiers: ClinVar variation 822973 (VCV000822973.17), dbSNP rs1591608576, ClinGen allele CA382515310.